The following is an entry in ClinVar:

NM_014334.4(FRRS1L):c.127C>G (p.Arg43Gly)

Gene: FRRS1L (ferric chelate reductase 1 like; minus strand). Cytogenetic location: 9q31.3.
Variant type: single nucleotide variant.
Coding change: c.127C>G on transcript NM_014334.4 (MANE Select); coding-DNA position 127, C replaced by G.
Protein change: p.Arg43Gly; replaces arginine 43 with glycine.
Molecular consequence: missense variant.
Genome position (GRCh38, 1-based): chr9:109,167,012, G>C on the plus strand (C>G on the coding strand, the complement: FRRS1L is on the minus strand). VCF-style: chr9-109167012-G-C. GRCh37 (hg19) VCF-style: chr9-111929292-G-C.
Other names: short protein forms R43G.
Identifiers: ClinVar variation 954462 (VCV000954462.7), dbSNP rs1254384132, ClinGen allele CA374430448.
Genomic context (GRCh38, chr9:109,167,012, plus strand): 5'-AGGAGGAGTCGTGGCGCGGCACCGCCTCGTCGGCGCCCGTGTCCCCCCGCGCGCGTCCCC[G>C]GGGTCCCCGGCCCCCCGGGCCCGCACCGTCGTCCGCGGGGCTGGCTGCGCAGGCGGCGGG-3'
Protein context (NP_055149.3, residues 33-53): DGAGPGGRGP[Arg43Gly]GRARGDTGAD

ClinVar aggregate classification (germline): Uncertain significance (1 of 4 stars; one submission).

Conditions:
Developmental and epileptic encephalopathy, 37 (DEE37). Also called: Epileptic encephalopathy, early infantile, 37. Identifiers: MedGen C4310770, MONDO:0014859, OMIM 616981.

Allele frequency attached by ClinVar (database versions not stated): gnomAD 0.00001 and 0.00002; TOPMed 0.00002.
gnomAD v4.1: 23 of 1,229,662 alleles (0.0019%); highest among the groups gnomAD compares: Middle Eastern, 0.032%; no homozygotes.

Submission:

Labcorp Genetics (formerly Invitae), Labcorp
Classification: Uncertain significance for Developmental and epileptic encephalopathy, 37. Last evaluated: 2022-07-19. Review status: criteria provided, single submitter. Criteria: Invitae Variant Classification Sherloc (09022015). Collection method: clinical testing. Allele origin: germline.
Comment: This sequence change replaces arginine, which is basic and polar, with glycine, which is neutral and non-polar, at codon 94 of the FRRS1L protein (p.Arg94Gly). The frequency data for this variant in the population databases is considered unreliable, as metrics indicate insufficient coverage at this position in the gnomAD database. This variant has not been reported in the literature in individuals affected with FRRS1L-related conditions. ClinVar contains an entry for this variant (Variation ID: 954462). Algorithms developed to predict the effect of missense changes on protein structure and function (SIFT, PolyPhen-2, Align-GVGD) all suggest that this variant is likely to be tolerated. In summary, the available evidence is currently insufficient to determine the role of this variant in disease. Therefore, it has been classified as a Variant of Uncertain Significance.